The following is an entry in ClinVar:

ClinVar aggregate classification (germline): Uncertain significance. Review status: criteria provided, multiple submitters, no conflicts (2 of 4 stars). 4 submissions from 3 submitters: Uncertain significance (4). Last evaluated 2023-02-08.

Conditions:
Inborn genetic diseases. Identifiers: MedGen C0950123, MeSH D030342.
Amyotrophic lateral sclerosis type 4 (ALS4). Also called: AMYOTROPHIC LATERAL SCLEROSIS 4, JUVENILE; NEURONOPATHY, DISTAL HEREDITARY MOTOR, WITH PYRAMIDAL FEATURES. Identifiers: Orphanet 357043, MedGen C1865409, MONDO:0011223, OMIM 602433.
Spinocerebellar ataxia, autosomal recessive, with axonal neuropathy 2 (SCAN2). Also called: ATAXIA-OCULOMOTOR APRAXIA 2; Ataxia-ocular apraxia-2; Ataxia with Oculomotor Apraxia; Ataxia with Oculomotor Apraxia Type 2. Identifiers: Orphanet 64753, MedGen C1853761, MONDO:0018996, OMIM 606002.

Allele frequency attached by ClinVar (database versions not stated): TOPMed below 0.00001; gnomAD 0.00001; gnomAD exomes 0.00001.
gnomAD v4.1: 9 of 1,613,702 alleles (0.00056%); highest among the groups gnomAD compares: Admixed American, 0.0067%; no homozygotes.

Submissions (4):

Genome-Nilou Lab
Classification: Uncertain significance for Spinocerebellar ataxia, autosomal recessive, with axonal neuropathy 2. Last evaluated: 2023-02-08. Review status: criteria provided, single submitter. Criteria: ACMG Guidelines, 2015. Collection method: clinical testing. Allele origin: germline.

Genome-Nilou Lab
Classification: Uncertain significance for Amyotrophic lateral sclerosis type 4. Last evaluated: 2023-02-08. Review status: criteria provided, single submitter. Criteria: ACMG Guidelines, 2015. Collection method: clinical testing. Allele origin: germline.

Ambry Genetics
Classification: Uncertain significance for Inborn genetic diseases. Last evaluated: 2020-11-04. Review status: criteria provided, single submitter. Criteria: Ambry Variant Classification Scheme 2023. Collection method: clinical testing. Allele origin: germline.
Comment: The p.A1945V variant (also known as c.5834C>T), located in coding exon 12 of the SETX gene, results from a C to T substitution at nucleotide position 5834. The alanine at codon 1945 is replaced by valine, an amino acid with similar properties. A different alteration at this position (p.A1945P) was reported along with a frameshift mutation in a patient with early onset progressive ataxia (Fogel BL et al. Neurology, 2006 Dec;67:2083-4). This amino acid position is highly conserved in available vertebrate species. In addition, the in silico prediction for this alteration is inconclusive. Based on the supporting evidence, this variant is unlikely to be causative of juvenile amyotrophic lateral sclerosis; however, its contribution to the development of spinocerebellar ataxia with axonal neuropathy is uncertain.

GeneDx
Classification: Uncertain significance. Last evaluated: 2020-02-10. Review status: criteria provided, single submitter. Criteria: GeneDx Variant Classification Process June 2021. Collection method: clinical testing. Allele origin: germline. Affected: yes.
Comment: Has not been previously published as pathogenic or benign to our knowledge; In silico analysis supports that this missense variant does not alter protein structure/function

Literature cited by the submitters: PubMed 17159128 (cited by Ambry Genetics).

NM_015046.7(SETX):c.5834C>T (p.Ala1945Val)

Gene: SETX (senataxin; minus strand). Cytogenetic location: 9q34.13.
Variant type: single nucleotide variant.
Coding change: c.5834C>T on transcript NM_015046.7 (MANE Select); coding-DNA position 5834, C replaced by T.
Protein change: p.Ala1945Val; replaces alanine 1945 with valine.
Molecular consequence: missense variant.
Genome position (GRCh38, 1-based): chr9:132,297,002, G>A on the plus strand (C>T on the coding strand, the complement: SETX is on the minus strand). VCF-style: chr9-132297002-G-A. GRCh37 (hg19) VCF-style: chr9-135172389-G-A.
Other names: c.5834C>T, p.Ala1945Val (NM_001351527.2, NM_001351528.2); short protein forms A1945V.
Identifiers: ClinVar variation 1304702 (VCV001304702.5), dbSNP rs1009296937, ClinGen allele CA200818955.